The following is an entry in ClinVar:

ClinVar aggregate classification (germline): Conflicting classifications of pathogenicity. Review status: criteria provided, conflicting classifications (1 of 4 stars). 2 submissions from 2 submitters: Uncertain significance (1); Likely benign (1). Last evaluated 2025-09-24.

Conditions:
Hereditary spastic paraplegia 30. Identifiers: Orphanet 101010, MedGen C5235139, MONDO:0012476.
Neuropathy, hereditary sensory, type 2C. Also called: KIF1A-Related HSAN2 (HSAN2C); Hereditary sensory and autonomic neuropathy type IIC. Identifiers: Orphanet 970, MedGen C3280168, MONDO:0013634, OMIM 614213.
Intellectual disability, autosomal dominant 9 (NESCAVS). Also called: KIF1A-Related Neurodevelopmental Disorder; NESCAV SYNDROME. Identifiers: Orphanet 662367, MedGen C5393830, MONDO:0013656, OMIM 614255.

Allele frequency attached by ClinVar (database versions not stated): gnomAD exomes 0.00001 and 0.00002; ExAC 0.00002.
gnomAD v4.1: 16 of 1,613,592 alleles (0.00099%); highest among the groups gnomAD compares: South Asian, 0.0044%; no homozygotes.

Submissions (2):

Labcorp Genetics (formerly Invitae), Labcorp
Classification: Likely benign for Hereditary spastic paraplegia 30; Neuropathy, hereditary sensory, type 2C; Intellectual disability, autosomal dominant 9. Last evaluated: 2025-09-24. Review status: criteria provided, single submitter. Criteria: Invitae Variant Classification Sherloc (09022015). Collection method: clinical testing. Allele origin: germline.

GeneDx
Classification: Uncertain significance. Last evaluated: 2024-10-22. Review status: criteria provided, single submitter. Criteria: GeneDx Variant Classification Process June 2021. Collection method: clinical testing. Allele origin: germline.
Comment: In silico analysis supports that this missense variant has a deleterious effect on protein structure/function; Has not been previously published as pathogenic or benign to our knowledge

NM_001244008.2(KIF1A):c.3943G>A (p.Asp1315Asn)

Gene: KIF1A (kinesin family member 1A; minus strand). Cytogenetic location: 2q37.3.
Variant type: single nucleotide variant.
Coding change: c.3943G>A on transcript NM_001244008.2 (MANE Select); coding-DNA position 3943, G replaced by A.
Protein change: p.Asp1315Asn; replaces aspartic acid 1315 with asparagine.
Molecular consequence: missense variant.
Genome position (GRCh38, 1-based): chr2:240,737,127, C>T on the plus strand (G>A on the coding strand, the complement: KIF1A is on the minus strand). VCF-style: chr2-240737127-C-T. GRCh37 (hg19) VCF-style: chr2-241676544-C-T.
Other names: c.3667G>A, p.Asp1223Asn (NM_001320705.2, NM_001330289.2, NM_001379638.1); c.3742G>A, p.Asp1248Asn (NM_001330290.2, NM_001379634.1, NM_001379635.1 and 1 more transcripts); c.4018G>A, p.Asp1340Asn (NM_001379631.1); c.3892G>A, p.Asp1298Asn (NM_001379632.1); c.3916G>A, p.Asp1306Asn (NM_001379633.1, NM_001379642.1, NM_001379645.1); c.3754G>A, p.Asp1252Asn (NM_001379636.1); c.3715G>A, p.Asp1239Asn (NM_001379637.1, NM_001379648.1); c.3640G>A, p.Asp1214Asn (NM_001379639.1, NM_001379641.1, NM_001379649.1 and 4 more transcripts); and 2 more; short protein forms D1213N, D1223N, D1239N, D1248N, D1315N, D1298N, D1340N, D1252N.
Identifiers: ClinVar variation 1351110 (VCV001351110.7), dbSNP rs749879166, ClinGen allele CA2207569.
Genomic context (GRCh38, chr2:240,737,127, plus strand): 5'-CATCTTGGGCTGGGTGGATGTATCCGGAAGAGAGGATGTTGAGAGACAAGATGTTGGGGT[C>T]GATCAGGGACTCGTCGGTCTCTGGAGTGTTTCGGATGCGGCCTGCAGAAAAGGCAACGGG-3'
Protein context (NP_001230937.1, residues 1305-1325): NTPETDESLI[Asp1315Asn]PNILSLNILS